The following is an entry in ClinVar:

NM_001458.5(FLNC):c.2582T>G (p.Val861Gly)

Gene: FLNC (filamin C; plus strand). Cytogenetic location: 7q32.1.
Variant type: single nucleotide variant.
Coding change: c.2582T>G on transcript NM_001458.5 (MANE Select); coding-DNA position 2582, T replaced by G.
Protein change: p.Val861Gly; replaces valine 861 with glycine.
Molecular consequence: missense variant.
Genome position (GRCh38, 1-based): chr7:128,843,260, T>G. VCF-style: chr7-128843260-T-G. GRCh37 (hg19) VCF-style: chr7-128483314-T-G.
Other names: c.2582T>G, p.Val861Gly (NM_001127487.2); short protein forms V861G.
Identifiers: ClinVar variation 1059232 (VCV001059232.9), dbSNP rs749269317, ClinGen allele CA369192340.

ClinVar aggregate classification (germline): Uncertain significance (1 of 4 stars; one submission).

Conditions:
Distal myopathy with posterior leg and anterior hand involvement. Also called: WILLIAMS DISTAL MYOPATHY. Identifiers: Orphanet 63273, MedGen C3279722, MONDO:0013550, OMIM 614065.
Myofibrillar myopathy 5. Also called: Filaminopathy (type); FILAMINOPATHY, AUTOSOMAL DOMINANT. Identifiers: Orphanet 171445, MedGen C1836050, MONDO:0012289, OMIM 609524.
Hypertrophic cardiomyopathy 26. Also called: Cardiomyopathy, familial hypertrophic, 26. Identifiers: Orphanet 75249, MedGen C4310749, MONDO:0014883, OMIM 617047.

Submission:

Labcorp Genetics (formerly Invitae), Labcorp
Classification: Uncertain significance for Distal myopathy with posterior leg and anterior hand involvement; Myofibrillar myopathy 5; Hypertrophic cardiomyopathy 26. Last evaluated: 2020-10-27. Review status: criteria provided, single submitter. Criteria: Invitae Variant Classification Sherloc (09022015). Collection method: clinical testing. Allele origin: germline.
Comment: In summary, the available evidence is currently insufficient to determine the role of this variant in disease. Therefore, it has been classified as a Variant of Uncertain Significance. Algorithms developed to predict the effect of missense changes on protein structure and function are either unavailable or do not agree on the potential impact of this missense change (SIFT: "Deleterious"; PolyPhen-2: "Probably Damaging"; Align-GVGD: "Class C0"). This variant has not been reported in the literature in individuals with FLNC-related conditions. This variant is not present in population databases (ExAC no frequency). This sequence change replaces valine with glycine at codon 861 of the FLNC protein (p.Val861Gly). The valine residue is moderately conserved and there is a moderate physicochemical difference between valine and glycine.